The following is an entry in ClinVar:

ClinVar aggregate classification (germline): Benign (1 of 4 stars; one submission).

Conditions:
Glucocorticoid resistance. Also called: Gccr deficiency; Glucocorticoid receptor deficiency; Cortisol resistance from glucocorticoid receptor defect; Gcr deficiency; Glucocorticoid resistance, generalized. Identifiers: Orphanet 786, MedGen C1841972, MONDO:0014421, OMIM 615962.

Allele frequency attached by ClinVar (database versions not stated): 1000 Genomes Project 0.08387; 1000 Genomes Project 30x 0.08510; TOPMed 0.11360; gnomAD 0.11482 and 0.11639.

Submission:

Illumina Laboratory Services, Illumina
Classification: Benign for Glucocorticoid resistance. Last evaluated: 2018-03-06. Review status: criteria provided, single submitter. Criteria: ICSL Variant Classification Criteria 13 December 2019. Collection method: clinical testing. Allele origin: germline.
Comment: This variant was observed in the ICSL laboratory as part of a predisposition screen in an ostensibly healthy population. It had not been previously curated by ICSL or reported in the Human Gene Mutation Database (HGMD: prior to June 1st, 2018), and was therefore a candidate for classification through an automated scoring system. Utilizing variant allele frequency, disease prevalence and penetrance estimates, and inheritance mode, an automated score was calculated to assess if this variant is too frequent to cause the disease. Based on the score and internal cut-off values, a variant classified as benign is not then subjected to further curation. The score for this variant resulted in a classification of benign for this disease.

NM_000176.3(NR3C1):c.*3833A>G

Gene: NR3C1 (nuclear receptor subfamily 3 group C member 1; minus strand). Cytogenetic location: 5q31.3.
Variant type: single nucleotide variant.
Coding change: c.*3833A>G on transcript NM_000176.3 (MANE Select); 3833 bases downstream of the stop codon, A replaced by G.
Molecular consequence: 3 prime UTR variant. On other transcripts: non-coding transcript variant (1).
Genome position (GRCh38, 1-based): chr5:143,278,056, T>C on the plus strand (A>G on the coding strand, the complement: NR3C1 is on the minus strand). VCF-style: chr5-143278056-T-C. GRCh37 (hg19) VCF-style: chr5-142657621-T-C.
Other names: c.*3833A>G (NM_001018074.1, NM_001018075.1, NM_001018076.2 and 15 more transcripts); c.*1308A>G (NM_001020825.2).
Identifiers: ClinVar variation 351314 (VCV000351314.5), dbSNP rs6198, ClinGen allele CA10622910.
Genomic context (GRCh38, chr5:143,278,056, plus strand): 5'-CATTTACTGCCAATTCGGTACAAATGTGTGGTTTGGTAATACCAGAACAGCAAATTTAAA[T>C]GAAAAAATAAAAGTTAAACATTTCCACACAAGGTTTTACAGTCTGACATTTCACTGCGTA-3'